The following is an entry in ClinVar:

NM_152468.5(TMC8):c.421C>A (p.Pro141Thr)

Gene: TMC8 (transmembrane channel like 8; plus strand). Cytogenetic location: 17q25.3.
Variant type: single nucleotide variant.
Coding change: c.421C>A on transcript NM_152468.5 (MANE Select); coding-DNA position 421, C replaced by A.
Protein change: p.Pro141Thr; replaces proline 141 with threonine.
Molecular consequence: missense variant.
Genome position (GRCh38, 1-based): chr17:78,132,481, C>A. VCF-style: chr17-78132481-C-A. GRCh37 (hg19) VCF-style: chr17-76128562-C-A.
Other names: short protein forms P141T.
Identifiers: ClinVar variation 1410020 (VCV001410020.5), dbSNP rs569507457, ClinGen allele CA294359800.

ClinVar aggregate classification (germline): Uncertain significance (1 of 4 stars; one submission).

Conditions:
Epidermodysplasia verruciformis. Identifiers: Orphanet 302, MedGen C0014522, MONDO:0009176.

Allele frequency attached by ClinVar (database versions not stated): gnomAD 0.00001; TOPMed 0.00001.
gnomAD v4.1: 1 of 1,611,448 alleles (0.000062%); highest among the groups gnomAD compares: Admixed American, 0.0017%; no homozygotes.

Submission:

Labcorp Genetics (formerly Invitae), Labcorp
Classification: Uncertain significance for Epidermodysplasia verruciformis. Last evaluated: 2022-08-23. Review status: criteria provided, single submitter. Criteria: Invitae Variant Classification Sherloc (09022015). Collection method: clinical testing. Allele origin: germline.
Comment: This sequence change replaces proline, which is neutral and non-polar, with threonine, which is neutral and polar, at codon 141 of the TMC8 protein (p.Pro141Thr). This variant is not present in population databases (gnomAD no frequency). This variant has not been reported in the literature in individuals affected with TMC8-related conditions. ClinVar contains an entry for this variant (Variation ID: 1410020). Algorithms developed to predict the effect of missense changes on protein structure and function (SIFT, PolyPhen-2, Align-GVGD) all suggest that this variant is likely to be tolerated. In summary, the available evidence is currently insufficient to determine the role of this variant in disease. Therefore, it has been classified as a Variant of Uncertain Significance.